The following is an entry in ClinVar:

ClinVar aggregate classification (germline): Likely benign (1 of 4 stars; one submission).

Allele frequency attached by ClinVar (database versions not stated): 1000 Genomes Project 0.00220; gnomAD 0.00242; 1000 Genomes Project 30x 0.00500.

Submission:

CeGaT Center for Human Genetics Tuebingen
Classification: Likely benign. Last evaluated: 2023-03-01. Review status: criteria provided, single submitter. Criteria: CeGaT Center For Human Genetics Tuebingen Variant Classification Criteria Version 2. Collection method: clinical testing. Allele origin: germline. Affected: yes. Observed: 1 variant allele.
Comment: CYP2D6: BS2

NC_000022.11:g.42130929T>C

Genes: CYP2D6 (cytochrome P450 family 2 subfamily D member 6 (gene/pseudogene); minus strand), LOC110740340 (CYP2D6 promoter; plus strand). Cytogenetic location: 22q13.2.
Variant type: single nucleotide variant.
Genome position: GRCh38 VCF-style: chr22-42130929-T-C. GRCh37 (hg19) VCF-style: chr22-42526931-T-C.
Identifiers: ClinVar variation 2653242 (VCV002653242.24), dbSNP rs267608272, ClinGen allele CA324675888.